The following is an entry in ClinVar:

ClinVar aggregate classification (germline): Uncertain significance. Review status: criteria provided, multiple submitters, no conflicts (2 of 4 stars). 3 submissions from 3 submitters: Uncertain significance (3). Last evaluated 2025-10-21.

Conditions:
Hereditary cancer-predisposing syndrome. Also called: Tumor predisposition; Hereditary neoplastic syndrome; Neoplastic Syndromes, Hereditary; Hereditary Cancer Syndrome. Identifiers: Orphanet 140162, MedGen C0027672, MeSH D009386, MONDO:0015356.
Familial adenomatous polyposis 1 (FAP1). Also called: POLYPOSIS, ADENOMATOUS INTESTINAL; FAMILIAL ADENOMATOUS POLYPOSIS 1, ATTENUATED. Identifiers: MedGen C2713442, MONDO:0021056, OMIM 175100. Disease mechanism: loss of function.

Allele frequency attached by ClinVar (database versions not stated): gnomAD exomes below 0.00001; ExAC 0.00001; gnomAD 0.00001; TOPMed 0.00001.
gnomAD v4.1: 2 of 1,613,568 alleles (0.00012%); highest among the groups gnomAD compares: African/African-American, 0.0013%; no homozygotes.

Submissions (3):

Labcorp Genetics (formerly Invitae), Labcorp
Classification: Uncertain significance for Familial adenomatous polyposis 1. Last evaluated: 2025-10-21. Review status: criteria provided, single submitter. Criteria: Invitae Variant Classification Sherloc (09022015). Collection method: clinical testing. Allele origin: germline.
Comment: This sequence change replaces serine, which is neutral and polar, with isoleucine, which is neutral and non-polar, at codon 1970 of the APC protein (p.Ser1970Ile). This variant is present in population databases (rs753781948, gnomAD 0.007%). This variant has not been reported in the literature in individuals affected with APC-related conditions. ClinVar contains an entry for this variant (Variation ID: 861805). Invitae Evidence Modeling of protein sequence and biophysical properties (such as structural, functional, and spatial information, amino acid conservation, physicochemical variation, residue mobility, and thermodynamic stability) indicates that this missense variant is not expected to disrupt APC protein function with a negative predictive value of 95%. Algorithms developed to predict the effect of sequence changes on RNA splicing suggest that this variant may create or strengthen a splice site. In summary, the available evidence is currently insufficient to determine the role of this variant in disease. Therefore, it has been classified as a Variant of Uncertain Significance.

Color Diagnostics, LLC DBA Color Health
Classification: Uncertain significance for Hereditary cancer-predisposing syndrome. Last evaluated: 2025-09-23. Review status: criteria provided, single submitter. Criteria: ACMG Guidelines, 2015. Collection method: clinical testing. Allele origin: germline.
Comment: This missense variant replaces serine with isoleucine at codon 1970 of the APC protein. Computational prediction suggests that this variant may have deleterious impact on protein structure and function. APC is defined as a gene for which primarily truncating variants are known to cause disease (ClinGen HCCP VCEP). To our knowledge, functional studies have not been reported for this variant. This variant has not been reported in individuals affected with APC-related disorders in the literature. This variant has been identified in 1/250756 chromosomes in the general population by the Genome Aggregation Database (gnomAD). The available evidence is insufficient to determine the role of this variant in disease conclusively. Therefore, this variant is classified as a Variant of Uncertain Significance.

Ambry Genetics
Classification: Uncertain significance for Hereditary cancer-predisposing syndrome. Last evaluated: 2023-03-22. Review status: criteria provided, single submitter. Criteria: Ambry Variant Classification Scheme 2023. Collection method: clinical testing. Allele origin: germline.
Comment: The p.S1970I variant (also known as c.5909G>T), located in coding exon 15 of the APC gene, results from a G to T substitution at nucleotide position 5909. The serine at codon 1970 is replaced by isoleucine, an amino acid with dissimilar properties. This amino acid position is highly conserved in available vertebrate species. In addition, in silico predictors for this gene do not accurately predict pathogenicity. Since supporting evidence is limited at this time, the clinical significance of this alteration remains unclear.

NM_000038.6(APC):c.5909G>T (p.Ser1970Ile)

Gene: APC (APC regulator of Wnt signaling pathway; plus strand). Cytogenetic location: 5q22.2.
Variant type: single nucleotide variant.
Coding change: c.5909G>T on transcript NM_000038.6 (MANE Select); coding-DNA position 5909, G replaced by T.
Protein change: p.Ser1970Ile; replaces serine 1970 with isoleucine.
Molecular consequence: missense variant.
Genome position (GRCh38, 1-based): chr5:112,841,503, G>T. VCF-style: chr5-112841503-G-T. GRCh37 (hg19) VCF-style: chr5-112177200-G-T.
Other names: c.5909G>T, p.Ser1970Ile (NM_001127510.3, NM_001354895.2); c.5855G>T, p.Ser1952Ile (NM_001127511.3); c.5963G>T, p.Ser1988Ile (NM_001354896.2); c.5939G>T, p.Ser1980Ile (NM_001354897.2); c.5834G>T, p.Ser1945Ile (NM_001354898.2); c.5825G>T, p.Ser1942Ile (NM_001354899.2); c.5786G>T, p.Ser1929Ile (NM_001354900.2); c.5732G>T, p.Ser1911Ile (NM_001354901.2); and 5 more; short protein forms S1942I, S1911I, S1929I, S1952I, S1980I, S1988I, S1687I, S1810I.
Identifiers: ClinVar variation 861805 (VCV000861805.12), dbSNP rs753781948, ClinGen allele CA043389.